The following is an entry in ClinVar:

ClinVar aggregate classification (germline): Uncertain significance (1 of 4 stars; one submission).

Submission:

Labcorp Genetics (formerly Invitae), Labcorp
Classification: Uncertain significance. Last evaluated: 2024-11-11. Review status: criteria provided, single submitter. Criteria: Invitae Variant Classification Sherloc (09022015). Collection method: clinical testing. Allele origin: germline.
Comment: This sequence change replaces threonine, which is neutral and polar, with isoleucine, which is neutral and non-polar, at codon 742 of the DDX58 protein (p.Thr742Ile). This variant is not present in population databases (gnomAD no frequency). This variant has not been reported in the literature in individuals affected with DDX58-related conditions. ClinVar contains an entry for this variant (Variation ID: 1477185). Invitae Evidence Modeling of protein sequence and biophysical properties (such as structural, functional, and spatial information, amino acid conservation, physicochemical variation, residue mobility, and thermodynamic stability) indicates that this missense variant is not expected to disrupt DDX58 protein function with a negative predictive value of 80%. In summary, the available evidence is currently insufficient to determine the role of this variant in disease. Therefore, it has been classified as a Variant of Uncertain Significance.

NM_014314.4(RIGI):c.2225C>T (p.Thr742Ile)

Gene: RIGI (RNA sensor RIG-I; minus strand). Cytogenetic location: 9p21.1.
Variant type: single nucleotide variant.
Coding change: c.2225C>T on transcript NM_014314.4 (MANE Select); coding-DNA position 2225, C replaced by T.
Protein change: p.Thr742Ile; replaces threonine 742 with isoleucine.
Molecular consequence: missense variant.
Genome position (GRCh38, 1-based): chr9:32,466,402, G>A on the plus strand (C>T on the coding strand, the complement: RIGI is on the minus strand). VCF-style: chr9-32466402-G-A. GRCh37 (hg19) VCF-style: chr9-32466400-G-A.
Other names: c.2219C>T, p.Thr740Ile (NM_001385907.1); c.2054C>T, p.Thr685Ile (NM_001385909.1); c.1784C>T, p.Thr595Ile (NM_001385910.1); c.1616C>T, p.Thr539Ile (NM_001385912.1); c.2210C>T, p.Thr737Ile (NM_001385913.1); c.1781C>T, p.Thr594Ile (NM_001385914.1); short protein forms T685I, T737I, T742I, T594I, T595I, T740I, T539I.
Identifiers: ClinVar variation 1477185 (VCV001477185.6), dbSNP rs373292486, ClinGen allele CA373145730.